The following is an entry in ClinVar:

NM_001100913.3(PACS2):c.37C>G (p.Pro13Ala)

Genes: BRF1 (BRF1 general transcription factor IIIB subunit; minus strand), PACS2 (phosphofurin acidic cluster sorting protein 2; plus strand). Cytogenetic location: 14q32.33.
Variant type: single nucleotide variant.
Coding change: c.37C>G on transcript NM_001100913.3 (MANE Select); coding-DNA position 37, C replaced by G.
Protein change: p.Pro13Ala; replaces proline 13 with alanine.
Molecular consequence: missense variant. On other transcripts: intron variant (4).
Genome position (GRCh38, 1-based): chr14:105,314,955, C>G. VCF-style: chr14-105314955-C-G. GRCh37 (hg19) VCF-style: chr14-105781292-C-G.
Other names: c.37C>G, p.Pro13Ala (NM_015197.4); c.-162+367G>C (NM_001440451.1, NM_001242787.2, NM_001242786.2); c.-83+13976C>G (NM_001243127.3); short protein forms P13A.
Identifiers: ClinVar variation 2570893 (VCV002570893.24), dbSNP rs1463654330, ClinGen allele CA391191454.
Genomic context (GRCh38, chr14:105,314,955, plus strand): 5'-CGAGGGAGCGGCGGGGCCGGCGCCATGGCCGAGCGAGGCCGCCTCGGCCTCCCCGGCGCG[C>G]CCGGCGCGCTCAACACGCCCGTGCCCATGAACCTGTTCGCCACCTGGGAGGTGGACGGCT-3'
Protein context (NP_001094383.2, residues 3-23): ERGRLGLPGA[Pro13Ala]GALNTPVPMN

ClinVar aggregate classification (germline): Uncertain significance. Review status: criteria provided, multiple submitters, no conflicts (2 of 4 stars). 2 submissions from 2 submitters: Uncertain significance (2). Last evaluated 2025-04-22.

Submissions (2):

Labcorp Genetics (formerly Invitae), Labcorp
Classification: Uncertain significance. Last evaluated: 2025-04-22. Review status: criteria provided, single submitter. Criteria: Invitae Variant Classification Sherloc (09022015). Collection method: clinical testing. Allele origin: germline.
Comment: This sequence change replaces proline, which is neutral and non-polar, with alanine, which is neutral and non-polar, at codon 13 of the PACS2 protein (p.Pro13Ala). This variant is not present in population databases (gnomAD no frequency). This variant has not been reported in the literature in individuals affected with PACS2-related conditions. ClinVar contains an entry for this variant (Variation ID: 2570893). An algorithm developed to predict the effect of missense changes on protein structure and function (PolyPhen-2) suggests that this variant is likely to be tolerated. In summary, the available evidence is currently insufficient to determine the role of this variant in disease. Therefore, it has been classified as a Variant of Uncertain Significance.

CeGaT Center for Human Genetics Tuebingen
Classification: Uncertain significance. Last evaluated: 2024-07-01. Review status: criteria provided, single submitter. Criteria: CeGaT Center For Human Genetics Tuebingen Variant Classification Criteria Version 2. Collection method: clinical testing. Allele origin: germline. Affected: yes. Observed: 1 variant allele.
Comment: PACS2: PM2